The following is an entry in ClinVar:

ClinVar aggregate classification (germline): Uncertain significance (1 of 4 stars; one submission).

Submission:

GeneDx
Classification: Uncertain significance. Last evaluated: 2024-09-13. Review status: criteria provided, single submitter. Criteria: GeneDx Variant Classification Process June 2021. Collection method: clinical testing. Allele origin: germline. Affected: yes.
Comment: Not observed at significant frequency in large population cohorts (gnomAD); In silico analysis supports that this missense variant has a deleterious effect on protein structure/function; Has not been previously published as pathogenic or benign to our knowledge

NM_013450.4(BAZ2B):c.3343G>T (p.Val1115Phe)

Gene: BAZ2B (bromodomain adjacent to zinc finger domain 2B; minus strand). Cytogenetic location: 2q24.2.
Variant type: single nucleotide variant.
Coding change: c.3343G>T on transcript NM_013450.4 (MANE Select); coding-DNA position 3343, G replaced by T.
Protein change: p.Val1115Phe; replaces valine 1115 with phenylalanine.
Molecular consequence: missense variant.
Genome position (GRCh38, 1-based): chr2:159,386,481, C>A on the plus strand (G>T on the coding strand, the complement: BAZ2B is on the minus strand). VCF-style: chr2-159386481-C-A. GRCh37 (hg19) VCF-style: chr2-160242992-C-A.
Other names: c.3235G>T, p.Val1079Phe (NM_001289975.1); c.3181G>T, p.Val1061Phe (NM_001329857.2); c.3268G>T, p.Val1090Phe (NM_001329858.2); short protein forms V1061F, V1079F, V1090F, V1115F.
Identifiers: ClinVar variation 3770083 (VCV003770083.1).